The following is an entry in ClinVar:

NM_194318.4(B3GLCT):c.525C>T (p.Ser175=)

Gene: B3GLCT (beta 3-glucosyltransferase; plus strand). Cytogenetic location: 13q12.3.
Variant type: single nucleotide variant.
Coding change: c.525C>T on transcript NM_194318.4 (MANE Select); coding-DNA position 525, C replaced by T.
Protein change: p.Ser175=; no amino-acid change (serine 175 retained).
Molecular consequence: synonymous variant.
Genome position (GRCh38, 1-based): chr13:31,261,011, C>T. VCF-style: chr13-31261011-C-T. GRCh37 (hg19) VCF-style: chr13-31835148-C-T.
Identifiers: ClinVar variation 2643716 (VCV002643716.24), dbSNP rs151026975, ClinGen allele CA6936625.
Genomic context (GRCh38, chr13:31,261,011, plus strand): 5'-GTTTTTGGGAAAAGCATTACATGATGAAGAAGCTACAATAATTCACCATTATGCCTTTTC[C>T]GAGAATCCTACAGTTTTTAAGTATCCAGACTTTGCTGCAGGCTGGGCCTTAAGTATTCCA-3'
Protein context (NP_919299.3, residues 165-185): EATIIHHYAF[Ser175=]ENPTVFKYPD

ClinVar aggregate classification (germline): Likely benign (1 of 4 stars; one submission).

Allele frequency attached by ClinVar (database versions not stated): ExAC 0.00002; gnomAD 0.00003; TOPMed 0.00003; ESP Exome Variant Server 0.00015.
gnomAD v4.1: 21 of 1,613,330 alleles (0.0013%); highest among the groups gnomAD compares: African/African-American, 0.0054%; no homozygotes.

Submission:

CeGaT Center for Human Genetics Tuebingen
Classification: Likely benign. Last evaluated: 2022-08-01. Review status: criteria provided, single submitter. Criteria: CeGaT Center For Human Genetics Tuebingen Variant Classification Criteria Version 2. Collection method: clinical testing. Allele origin: germline. Affected: yes. Observed: 1 variant allele.
Comment: B3GLCT: BP4, BP7